The following is an entry in ClinVar:

NC_000016.9:g.(?_89211655)_(89212477_?)del

Gene: ACSF3 (acyl-CoA synthetase family member 3; plus strand). Cytogenetic location: 16q24.3.
Variant type: Deletion.
Identifiers: ClinVar variation 3243506 (VCV003243506.1).

ClinVar aggregate classification (germline): Pathogenic (1 of 4 stars; one submission).

Conditions:
Combined malonic and methylmalonic acidemia. Identifiers: Orphanet 289504, MedGen C3280314, MONDO:0013661, OMIM 614265.

Submission:

Labcorp Genetics (formerly Invitae), Labcorp
Classification: Pathogenic for Combined malonic and methylmalonic acidemia. Last evaluated: 2023-06-20. Review status: criteria provided, single submitter. Criteria: Invitae Variant Classification Sherloc (09022015). Collection method: clinical testing. Allele origin: unknown.
Comment: For these reasons, this variant has been classified as Pathogenic. This variant disrupts a region of the ACSF3 protein in which other variant(s) (p.Glu490Asp) have been determined to be pathogenic (PMID: 26827111, 30740739). This suggests that this is a clinically significant region of the protein, and that variants that disrupt it are likely to be disease-causing. This variant has not been reported in the literature in individuals affected with ACSF3-related conditions. This variant is a gross deletion of the genomic region encompassing exon(s) 9-10 of the ACSF3 gene. While this deletion is not anticipated to lead to nonsense mediated decay, it is expected to disrupt the C-terminus of the protein.

Literature cited by the submitters: PubMed 26827111; PubMed 30740739.